The following is an entry in ClinVar:

ClinVar aggregate classification (germline): Uncertain significance. Review status: criteria provided, multiple submitters, no conflicts (2 of 4 stars). 3 submissions from 3 submitters: Uncertain significance (3). Last evaluated 2021-07-07.

Conditions:
Inborn genetic diseases. Identifiers: MedGen C0950123, MeSH D030342.
Charcot-Marie-Tooth disease. Also called: Charcot-Marie-Tooth Neuropathy; Charcot-Marie-Tooth Hereditary Neuropathy. Identifiers: Orphanet 166, MedGen C0007959, MONDO:0015626.
Charcot-Marie-Tooth disease type 4. Also called: Charcot-Marie-Tooth, Type 4; Charcot-Marie-Tooth disease, type IV. Identifiers: Orphanet 64749, MedGen C4082197, MONDO:0018995.

Allele frequency attached by ClinVar (database versions not stated): gnomAD exomes below 0.00001; TOPMed below 0.00001.

Submissions (3):

Labcorp Genetics (formerly Invitae), Labcorp
Classification: Uncertain significance for Charcot-Marie-Tooth disease type 4. Last evaluated: 2021-07-07. Review status: criteria provided, single submitter. Criteria: Invitae Variant Classification Sherloc (09022015). Collection method: clinical testing. Allele origin: germline.
Comment: In summary, the available evidence is currently insufficient to determine the role of this variant in disease. Therefore, it has been classified as a Variant of Uncertain Significance. Algorithms developed to predict the effect of missense changes on protein structure and function are either unavailable or do not agree on the potential impact of this missense change (SIFT: "Deleterious"; PolyPhen-2: "Probably Damaging"; Align-GVGD: "Class C0"). This variant has not been reported in the literature in individuals with PRX-related conditions. ClinVar contains an entry for this variant (Variation ID: 543314). This variant is not present in population databases (ExAC no frequency). This sequence change replaces glycine with glutamic acid at codon 940 of the PRX protein (p.Gly940Glu). The glycine residue is highly conserved and there is a moderate physicochemical difference between glycine and glutamic acid.

Ambry Genetics
Classification: Uncertain significance for Inborn genetic diseases. Last evaluated: 2020-03-18. Review status: criteria provided, single submitter. Criteria: Ambry Variant Classification Scheme 2023. Collection method: clinical testing. Allele origin: germline.
Comment: The p.G940E variant (also known as c.2819G>A), located in coding exon 4 of the PRX gene, results from a G to A substitution at nucleotide position 2819. The glycine at codon 940 is replaced by glutamic acid, an amino acid with similar properties. This amino acid position is not well conserved in available vertebrate species. In addition, the in silico prediction for this alteration is inconclusive. Since supporting evidence is limited at this time, the clinical significance of this alteration remains unclear.

Molecular Genetics Laboratory, London Health Sciences Centre
Classification: Uncertain significance for Charcot-Marie-Tooth disease. Review status: criteria provided, single submitter. Criteria: ACMG Guidelines, 2015. Collection method: clinical testing. Allele origin: germline. Affected: yes.

NM_181882.3(PRX):c.2819G>A (p.Gly940Glu)

Gene: PRX (periaxin; minus strand). Cytogenetic location: 19q13.2.
Variant type: single nucleotide variant.
Coding change: c.2819G>A on transcript NM_181882.3 (MANE Select); coding-DNA position 2819, G replaced by A.
Protein change: p.Gly940Glu; replaces glycine 940 with glutamic acid.
Molecular consequence: missense variant. On other transcripts: 3 prime UTR variant (1).
Genome position (GRCh38, 1-based): chr19:40,395,533, C>T on the plus strand (G>A on the coding strand, the complement: PRX is on the minus strand). VCF-style: chr19-40395533-C-T. GRCh37 (hg19) VCF-style: chr19-40901440-C-T.
Other names: c.*3024G>A (NM_020956.2); short protein forms G940E.
Identifiers: ClinVar variation 543314 (VCV000543314.13), dbSNP rs1322545345, ClinGen allele CA405895512.